The following is an entry in ClinVar:

ClinVar aggregate classification (germline): Uncertain significance. Review status: criteria provided, multiple submitters, no conflicts (2 of 4 stars). 4 submissions from 4 submitters: Uncertain significance (4). Last evaluated 2025-03-04.

Conditions:
Autosomal systemic lupus erythematosus type 16. Also called: Systemic lupus erythematosus 16. Identifiers: Orphanet 300345, MedGen C3280742, MONDO:0013743, OMIM 614420.

Allele frequency attached by ClinVar (database versions not stated): gnomAD 0.00006; ESP Exome Variant Server 0.00008; gnomAD exomes 0.00008 and 0.00015; TOPMed 0.00008; ExAC 0.00016.

Submissions (4):

Center for Genomic Medicine, Rigshospitalet, Copenhagen University Hospital
Classification: Uncertain significance. Last evaluated: 2025-03-04. Review status: criteria provided, single submitter. Criteria: ACMG Guidelines, 2015. Collection method: clinical testing. Allele origin: germline.

Blueprint Genetics
Classification: Uncertain significance. Last evaluated: 2024-07-23. Review status: criteria provided, single submitter. Criteria: ACMG Guidelines, 2015. Collection method: clinical testing. Allele origin: germline.

Labcorp Genetics (formerly Invitae), Labcorp
Classification: Uncertain significance. Last evaluated: 2022-06-26. Review status: criteria provided, single submitter. Criteria: Invitae Variant Classification Sherloc (09022015). Collection method: clinical testing. Allele origin: germline.
Comment: This sequence change affects the initiator methionine of the DNASE1L3 mRNA. The next in-frame methionine is located at codon 21. This variant is present in population databases (rs142482733, gnomAD 0.03%). This variant has not been reported in the literature in individuals affected with DNASE1L3-related conditions. Experimental studies and prediction algorithms are not available or were not evaluated, and the functional significance of this variant is currently unknown. In summary, the available evidence is currently insufficient to determine the role of this variant in disease. Therefore, it has been classified as a Variant of Uncertain Significance.

Fulgent Genetics
Classification: Uncertain significance for Autosomal systemic lupus erythematosus type 16. Last evaluated: 2022-05-23. Review status: criteria provided, single submitter. Criteria: ACMG Guidelines, 2015. Collection method: clinical testing. Allele origin: unknown.

NM_004944.4(DNASE1L3):c.1A>T (p.Met1Leu)

Gene: DNASE1L3 (deoxyribonuclease 1L3; minus strand). Cytogenetic location: 3p14.3.
Variant type: single nucleotide variant.
Coding change: c.1A>T on transcript NM_004944.4 (MANE Select); coding-DNA position 1, A replaced by T.
Protein change: p.Met1Leu; changes the start codon (methionine 1).
Molecular consequence: missense variant, initiator codon variant.
Genome position (GRCh38, 1-based): chr3:58,210,906, T>A on the plus strand (A>T on the coding strand, the complement: DNASE1L3 is on the minus strand). VCF-style: chr3-58210906-T-A. GRCh37 (hg19) VCF-style: chr3-58196633-T-A.
Other names: c.1A>T, p.Met1Leu (NM_001256560.2); short protein forms M1L.
Identifiers: ClinVar variation 1443268 (VCV001443268.8), dbSNP rs142482733, ClinGen allele CA2470154.